The following is an entry in ClinVar:

NM_000500.9(CYP21A2):c.939+5G>A

Genes: CYP21A2 (cytochrome P450 family 21 subfamily A member 2; plus strand), LOC106780800 (CYP21A2 recombination region; plus strand). Cytogenetic location: 6p21.33.
Variant type: single nucleotide variant.
Coding change: c.939+5G>A on transcript NM_000500.9 (MANE Select); 5 bases into the intron after coding-DNA position 939, G replaced by A.
Molecular consequence: intron variant.
Genome position (GRCh38, 1-based): chr6:32,040,210, G>A. VCF-style: chr6-32040210-G-A. GRCh37 (hg19) VCF-style: chr6-32007987-G-A.
Other names: splice-donor-region variant; dbSNP:rs557564791; c.534+5G>A (NM_001368143.2, NM_001368144.2); c.849+5G>A (NM_001128590.4).
Identifiers: ClinVar variation 1345038 (VCV001345038.4), dbSNP rs557564791, ClinGen allele CA3732575.

ClinVar aggregate classification (germline): Uncertain significance. Review status: criteria provided, multiple submitters, no conflicts (2 of 4 stars). 3 submissions from 3 submitters: Uncertain significance (3). Last evaluated 2026-07-18.

Conditions:
21-Hydroxylase-Deficient Congenital Adrenal Hyperplasia. Also called: ADRENAL HYPERPLASIA III; ADRENAL HYPERPLASIA, CONGENITAL, DUE TO 21-HYDROXYLASE DEFICIENCY. Identifiers: MedGen C2936858, OMIM 201910.

Allele frequency attached by ClinVar (database versions not stated): gnomAD exomes 0.00003 and 0.00004; ExAC 0.00005; gnomAD 0.00005; TOPMed 0.00005; 1000 Genomes Project 30x 0.00016; 1000 Genomes Project 0.00020.
gnomAD v4.1: 55 of 1,612,844 alleles (0.0034%); highest among the groups gnomAD compares: Middle Eastern, 0.066%; no homozygotes.

Submissions (3):

Department of Medical Genetics, Ordu University Medical School Training and Research Hospital
Classification: Uncertain significance for 21-Hydroxylase-Deficient Congenital Adrenal Hyperplasia. Last evaluated: 2026-07-18. Review status: criteria provided, single submitter. Criteria: ACMG Guidelines, 2015. Collection method: research. Allele origin: germline. Inheritance: Autosomal recessive inheritance. Affected: yes. Observed: 1 variant allele, 1 heterozygote.
Comment: This variant (NM_000500.9:c.939+5G>A) lies in the splice-donor region of intron 7. ACMG/AMP criteria applied: PP3 (multiple in silico splicing predictors suggest a possible effect on the splice donor site) is the only evidence currently available; no functional (RNA) data, segregation data, or reliable population frequency (frequency criteria are not usable here because of CYP21A1P pseudogene homology) are yet available. Because the single supporting line of evidence is insufficient to establish pathogenicity, the variant is classified as of Uncertain significance under the ACMG 2015 criteria and has been prioritised for in silico and functional evaluation.

Blueprint Genetics
Classification: Uncertain significance. Last evaluated: 2023-05-08. Review status: criteria provided, single submitter. Criteria: ACMG Guidelines, 2015. Collection method: clinical testing. Allele origin: germline.

Institute of Medical Genetics and Genomics, Sir Ganga Ram Hospital
Classification: Uncertain significance for 21-Hydroxylase-Deficient Congenital Adrenal Hyperplasia. Last evaluated: 2021-03-10. Review status: criteria provided, single submitter. Criteria: ACMG Guidelines, 2015. Collection method: clinical testing. Allele origin: germline. Affected: no. Observed: 1 variant allele.

Literature cited by the submitters: PubMed 23359698 (cited by Institute of Medical Genetics and Genomics, Sir Ganga Ram Hospital); PubMed 33552137 (cited by Institute of Medical Genetics and Genomics, Sir Ganga Ram Hospital); PubMed 30611409 (cited by Institute of Medical Genetics and Genomics, Sir Ganga Ram Hospital); PubMed 29035424 (cited by Institute of Medical Genetics and Genomics, Sir Ganga Ram Hospital).